The following is an entry in ClinVar:

NM_000276.4(OCRL):c.299A>T (p.Asp100Val)

Gene: OCRL (OCRL inositol polyphosphate-5-phosphatase; plus strand). Cytogenetic location: Xq26.1.
Variant type: single nucleotide variant.
Coding change: c.299A>T on transcript NM_000276.4 (MANE Select); coding-DNA position 299, A replaced by T.
Protein change: p.Asp100Val; replaces aspartic acid 100 with valine.
Molecular consequence: missense variant.
Genome position (GRCh38, 1-based): chrX:129,557,385, A>T. VCF-style: chrX-129557385-A-T. GRCh37 (hg19) VCF-style: chrX-128691362-A-T.
Other names: p.(Asp100Val); c.302A>T, p.Asp101Val (NM_001318784.2); c.299A>T, p.Asp100Val (NM_001587.4); short protein forms D100V, D101V.
Identifiers: ClinVar variation 3068859 (VCV003068859.2), dbSNP rs1290439831, ClinGen allele CA414550907.

ClinVar aggregate classification (germline): Uncertain significance (1 of 4 stars; one submission).

Allele frequency attached by ClinVar (database versions not stated): gnomAD exomes below 0.00001.
gnomAD v4.1: 1 of 1,211,581 alleles (0.000083%); highest among the groups gnomAD compares: Admixed American, 0.0022%; no homozygotes.

Submission:

Women's Health and Genetics/Laboratory Corporation of America, LabCorp
Classification: Uncertain significance. Last evaluated: 2024-02-27. Review status: criteria provided, single submitter. Criteria: LabCorp Variant Classification Summary - May 2015. Collection method: clinical testing. Allele origin: germline.
Comment: Variant summary: OCRL c.299A>T (p.Asp100Val) results in a non-conservative amino acid change located in the Inositol polyphosphate 5-phosphatase, clathrin binding domain (IPR031995) of the encoded protein sequence. Three of five in-silico tools predict a damaging effect of the variant on protein function. The variant allele was found at a frequency of 5.5e-06 in 183336 control chromosomes. The available data on variant occurrences in the general population are insufficient to allow any conclusion about variant significance. To our knowledge, no occurrence of c.299A>T in individuals affected with Dent Disease and no experimental evidence demonstrating its impact on protein function have been reported. No submitters have cited clinical-significance assessments for this variant to ClinVar. Based on the evidence outlined above, the variant was classified as uncertain significance.